The following is an entry in ClinVar:

NM_007294.4(BRCA1):c.2933_2934del (p.Tyr978fs)

Gene: BRCA1 (BRCA1 DNA repair associated; minus strand). Cytogenetic location: 17q21.31.
Variant type: Microsatellite.
Coding change: c.2933_2934del on transcript NM_007294.4 (MANE Select); coding-DNA positions 2933 to 2934, 2 bases deleted (AT; older notation c.2933_2934delAT).
Protein change: p.Tyr978fs; shifts the reading frame from tyrosine 978.
Molecular consequence: frameshift variant. On other transcripts: intron variant (137).
Genome position (GRCh38, 1-based): chr17:43,092,597-43,092,598, AT deleted on the plus strand (AT on the coding strand, the reverse complement: BRCA1 is on the minus strand); deleting any 2 consecutive bases within chr17:43,092,597-43,092,600 gives the same sequence; the c. name uses the placement nearest the transcript's 3' end. VCF-style (leftmost placement, unchanged base first): chr17-43092596-GAT-G. GRCh37 (hg19) VCF-style: chr17-41244613-GAT-G.
Other names: c.2792_2793del, p.Tyr931fs (NM_001407726.1, NM_001407727.1, NM_001407728.1 and 29 more transcripts); c.644-1566_644-1565del (NM_001408464.1, NM_001408468.1, NM_001408465.1 and 3 more transcripts); c.524-1566_524-1565del (NM_001408498.1, NM_001408501.1, NM_001408500.1 and 3 more transcripts); c.647-1566_647-1565del (NM_001408467.1, NM_001408459.1, NM_001408455.1 and 11 more transcripts); c.584-1566_584-1565del (NM_001408475.1); c.710-1566_710-1565del (NM_001408412.1, NM_001408409.1, NM_001408414.1 and 2 more transcripts); c.452-1566_452-1565del (NM_001408509.1, NM_001408508.1); c.575-1566_575-1565del (NM_001408491.1, NM_001408493.1, NM_001408490.1); and 41 more; short protein forms Y682fs, Y810fs, Y850fs, Y851fs, Y866fs, Y867fs, Y889fs, Y890fs.
Identifiers: ClinVar variation 2573295 (VCV002573295.3), dbSNP rs2552180801, ClinGen allele CA2580612662.

ClinVar aggregate classification (germline): Pathogenic. Review status: criteria provided, multiple submitters, no conflicts (2 of 4 stars). 2 submissions from 2 submitters: Pathogenic (2). Last evaluated 2024-07-30.

Conditions:
Hereditary breast ovarian cancer syndrome. Also called: Hereditary breast and ovarian cancer syndrome (HBOC); Breast and ovarian cancer; Hereditary breast and/or ovarian cancer syndrome; Hereditary breast and ovarian cancer syndrome; BRCA1- and BRCA2-Associated Hereditary Breast and Ovarian Cancer; Hereditary breast and ovarian cancer. Identifiers: Orphanet 145, MedGen C0677776, MeSH D061325, MONDO:0003582. Disease mechanism: loss of function.
Breast-ovarian cancer, familial, susceptibility to, 1 (BROVCA1). Also called: BRCA1 Hereditary Breast and Ovarian Cancer; OVARIAN CANCER, SUSCEPTIBILITY TO. Identifiers: Orphanet 145, MedGen C2676676, MONDO:0011450, OMIM 604370. Disease mechanism: loss of function.

Submissions (2):

Labcorp Genetics (formerly Invitae), Labcorp
Classification: Pathogenic for Hereditary breast ovarian cancer syndrome. Last evaluated: 2024-07-30. Review status: criteria provided, single submitter. Criteria: Invitae Variant Classification Sherloc (09022015). Collection method: clinical testing. Allele origin: germline.
Comment: This sequence change creates a premature translational stop signal (p.Tyr978Serfs*13) in the BRCA1 gene. It is expected to result in an absent or disrupted protein product. Loss-of-function variants in BRCA1 are known to be pathogenic (PMID: 20104584). This variant is not present in population databases (gnomAD no frequency). This variant has not been reported in the literature in individuals affected with BRCA1-related conditions. For these reasons, this variant has been classified as Pathogenic.

Myriad Genetics, Inc.
Classification: Pathogenic for Breast-ovarian cancer, familial, susceptibility to, 1. Last evaluated: 2023-02-22. Review status: criteria provided, single submitter. Criteria: Myriad Autosomal Dominant, Autosomal Recessive and X-Linked Classification Criteria (2023). Collection method: clinical testing. Allele origin: unknown.
Comment: This variant is considered pathogenic. This variant creates a frameshift predicted to result in premature protein truncation.

Literature cited by the submitters: PubMed 20104584 (cited by Labcorp Genetics (formerly Invitae), Labcorp).